The following is an entry in ClinVar:

ClinVar aggregate classification (germline): Uncertain significance (1 of 4 stars; one submission).

Conditions:
Hereditary cancer-predisposing syndrome. Also called: Neoplastic Syndromes, Hereditary; Hereditary neoplastic syndrome; Tumor predisposition; Hereditary Cancer Syndrome. Identifiers: Orphanet 140162, MedGen C0027672, MeSH D009386, MONDO:0015356.

Submission:

Labcorp Genetics (formerly Invitae), Labcorp
Classification: Uncertain significance for Hereditary cancer-predisposing syndrome. Last evaluated: 2021-11-28. Review status: criteria provided, single submitter. Criteria: Invitae Variant Classification Sherloc (09022015). Collection method: clinical testing. Allele origin: germline.
Comment: In summary, the available evidence is currently insufficient to determine the role of this variant in disease. Therefore, it has been classified as a Variant of Uncertain Significance. Algorithms developed to predict the effect of missense changes on protein structure and function output the following: SIFT: "Tolerated"; PolyPhen-2: "Benign"; Align-GVGD: "Class C0". The threonine amino acid residue is found in multiple mammalian species, which suggests that this missense change does not adversely affect protein function. This variant has not been reported in the literature in individuals affected with RAD50-related conditions. This variant is not present in population databases (gnomAD no frequency). This sequence change replaces isoleucine, which is neutral and non-polar, with threonine, which is neutral and polar, at codon 984 of the RAD50 protein (p.Ile984Thr).

NM_005732.4(RAD50):c.2951T>C (p.Ile984Thr)

Gene: RAD50 (RAD50 double strand break repair protein; plus strand). Cytogenetic location: 5q31.1.
Variant type: single nucleotide variant.
Coding change: c.2951T>C on transcript NM_005732.4 (MANE Select); coding-DNA position 2951, T replaced by C.
Protein change: p.Ile984Thr; replaces isoleucine 984 with threonine.
Molecular consequence: missense variant.
Genome position (GRCh38, 1-based): chr5:132,609,311, T>C. VCF-style: chr5-132609311-T-C. GRCh37 (hg19) VCF-style: chr5-131945003-T-C.
Other names: short protein forms I984T.
Identifiers: ClinVar variation 1395631 (VCV001395631.6), dbSNP rs2149849852, ClinGen allele CA360960397.